The following is an entry in ClinVar:

NM_000552.5(VWF):c.7707G>A (p.Ala2569=)

Gene: VWF (von Willebrand factor; minus strand). Cytogenetic location: 12p13.31.
Variant type: single nucleotide variant.
Coding change: c.7707G>A on transcript NM_000552.5 (MANE Select); coding-DNA position 7707, G replaced by A.
Protein change: p.Ala2569=; no amino-acid change (alanine 2569 retained).
Molecular consequence: synonymous variant.
Genome position (GRCh38, 1-based): chr12:5,969,233, C>T on the plus strand (G>A on the coding strand, the complement: VWF is on the minus strand). VCF-style: chr12-5969233-C-T. GRCh37 (hg19) VCF-style: chr12-6078399-C-T.
Identifiers: ClinVar variation 2682130 (VCV002682130.3), dbSNP rs143235468, ClinGen allele CA6401583.

ClinVar aggregate classification (germline): Likely benign. Review status: criteria provided, multiple submitters, no conflicts (2 of 4 stars). 2 submissions from 2 submitters: Likely benign (2). Last evaluated 2025-04-11.

Allele frequency attached by ClinVar (database versions not stated): ExAC 0.00013; 1000 Genomes Project 30x 0.00016; ESP Exome Variant Server 0.00023.
gnomAD v4.1: 110 of 1,613,878 alleles (0.0068%); highest among the groups gnomAD compares: African/African-American, 0.075%; no homozygotes.

Submissions (2):

Quest Diagnostics Nichols Institute San Juan Capistrano
Classification: Likely benign. Last evaluated: 2025-04-11. Review status: criteria provided, single submitter. Criteria: Quest Diagnostics criteria. Collection method: clinical testing. Allele origin: unknown.

Women's Health and Genetics/Laboratory Corporation of America, LabCorp
Classification: Likely benign. Last evaluated: 2024-09-09. Review status: criteria provided, single submitter. Criteria: LabCorp Variant Classification Summary - May 2015. Collection method: clinical testing. Allele origin: germline.
Comment: Variant summary: VWF c.7707G>A alters a non-conserved nucleotide resulting in a synonymous change. Consensus agreement among computation tools predict no significant impact on normal splicing. However, these predictions have yet to be confirmed by functional studies. The variant allele was found at a frequency of 0.0001 in 250002 control chromosomes. This frequency is not significantly higher than estimated for a pathogenic variant in VWF causing Von Willebrand Disease, allowing no conclusion about variant significance. To our knowledge, no occurrence of c.7707G>A in individuals affected with Von Willebrand Disease and no experimental evidence demonstrating its impact on protein function have been reported. ClinVar contains an entry for this variant (Variation ID: 2682130). Based on the evidence outlined above, the variant was classified as likely benign.